The following is an entry in ClinVar:

ClinVar aggregate classification (germline): Pathogenic (1 of 4 stars; one submission).

Conditions:
ALG1-congenital disorder of glycosylation. Also called: ALG1-CDG; CONGENITAL DISORDER OF GLYCOSYLATION, TYPE Ik; CDG Ik. Identifiers: Orphanet 79327, MedGen C2931005, MONDO:0012052, OMIM 608540.

Submission:

Labcorp Genetics (formerly Invitae), Labcorp
Classification: Pathogenic for ALG1-congenital disorder of glycosylation. Last evaluated: 2023-12-31. Review status: criteria provided, single submitter. Criteria: Invitae Variant Classification Sherloc (09022015). Collection method: clinical testing. Allele origin: germline.
Comment: This sequence change affects a donor splice site in intron 12 of the ALG1 gene. While this variant is not anticipated to result in nonsense mediated decay, it likely alters RNA splicing and results in a disrupted protein product. This variant is not present in population databases (gnomAD no frequency). This variant has not been reported in the literature in individuals affected with ALG1-related conditions. Variants that disrupt the consensus splice site are a relatively common cause of aberrant splicing (PMID: 17576681, 9536098). Algorithms developed to predict the effect of sequence changes on RNA splicing suggest that this variant may disrupt the consensus splice site. This variant disrupts a region of the ALG1 protein in which other variant(s) (p.Arg438Trp) have been determined to be pathogenic (PMID: 20679665, 24157261, 26931382). This suggests that this is a clinically significant region of the protein, and that variants that disrupt it are likely to be disease-causing. For these reasons, this variant has been classified as Pathogenic.

Literature cited by the submitters: PubMed 17576681; PubMed 9536098; PubMed 20679665; PubMed 24157261; PubMed 26931382.

NM_019109.5(ALG1):c.1263+2T>C

Gene: ALG1 (ALG1 chitobiosyldiphosphodolichol beta-mannosyltransferase; plus strand). Cytogenetic location: 16p13.3.
Variant type: single nucleotide variant.
Coding change: c.1263+2T>C on transcript NM_019109.5 (MANE Select); the canonical splice donor site of the intron after coding-DNA position 1263, T replaced by C.
Molecular consequence: splice donor variant.
Genome position (GRCh38, 1-based): chr16:5,083,759, T>C. VCF-style: chr16-5083759-T-C. GRCh37 (hg19) VCF-style: chr16-5133760-T-C.
Other names: c.930+2T>C (NM_001330504.2).
Identifiers: ClinVar variation 2706806 (VCV002706806.3), dbSNP rs1596263036, ClinGen allele CA394674781.